The following is an entry in ClinVar:

NM_006260.5(DNAJC3):c.729-1G>A

Gene: DNAJC3 (DnaJ heat shock protein family (Hsp40) member C3; plus strand). Cytogenetic location: 13q32.1.
Variant type: single nucleotide variant.
Coding change: c.729-1G>A on transcript NM_006260.5 (MANE Select); the canonical splice acceptor site of the intron before coding-DNA position 729, G replaced by A.
Molecular consequence: splice acceptor variant.
Genome position (GRCh38, 1-based): chr13:95,760,678, G>A. VCF-style: chr13-95760678-G-A. GRCh37 (hg19) VCF-style: chr13-96412932-G-A.
Identifiers: ClinVar variation 3236345 (VCV003236345.1), dbSNP rs2502842369, ClinGen allele CA388674058.

ClinVar aggregate classification (germline): Uncertain significance (1 of 4 stars; one submission).

Conditions:
Juvenile-onset diabetes mellitus-central and peripheral neurodegeneration syndrome. Also called: Ataxia, combined cerebellar and peripheral, with hearing loss and diabetes mellitus. Identifiers: Orphanet 445062, MedGen C4015436, MONDO:0014523, OMIM 616192.

Submission:

MVZ Medizinische Genetik Mainz
Classification: Uncertain significance for Juvenile-onset diabetes mellitus-central and peripheral neurodegeneration syndrome. Last evaluated: 2023-09-11. Review status: criteria provided, single submitter. Criteria: UK Practice Guidelines For Variant Classification V4 01 2020. Collection method: clinical testing. Allele origin: germline. Inheritance: Autosomal recessive inheritance. Affected: yes. Observed: 1 variant allele.
Comment: ACMG Criteria: PVS1_MOD,PM2_SUP,PM3_SUP; Compound Heterozygote